The following is an entry in ClinVar:

NM_001103.4(ACTN2):c.16C>T (p.Pro6Ser)

Gene: ACTN2 (actinin alpha 2; plus strand). Cytogenetic location: 1q43.
Variant type: single nucleotide variant.
Coding change: c.16C>T on transcript NM_001103.4 (MANE Select); coding-DNA position 16, C replaced by T.
Protein change: p.Pro6Ser; replaces proline 6 with serine.
Molecular consequence: missense variant. On other transcripts: non-coding transcript variant (1).
Genome position (GRCh38, 1-based): chr1:236,686,689, C>T. VCF-style: chr1-236686689-C-T. GRCh37 (hg19) VCF-style: chr1-236849989-C-T.
Other names: c.16C>T, p.Pro6Ser (NM_001278343.2); c.-806C>T (NM_001278344.2); c.-931C>T (NM_001412150.1); short protein forms P6S.
Identifiers: ClinVar variation 2932818 (VCV002932818.3), dbSNP rs1428900516, ClinGen allele CA345358083.
Genomic context (GRCh38, chr1:236,686,689, plus strand): 5'-TCCGAGCCCCTCGCGCCCCGCCGCAGCCCCGGCCAACCGAGCGCCATGAACCAGATAGAG[C>T]CCGGCGTGCAGTACAACTACGTGTACGACGAGGATGAGTACATGATCCAGGAGGAGGAGT-3'
Protein context (NP_001094.1, residues 1-16): MNQIE[Pro6Ser]GVQYNYVYDE

ClinVar aggregate classification (germline): Uncertain significance (1 of 4 stars; one submission).

Conditions:
Primary familial hypertrophic cardiomyopathy (HCM). Identifiers: Orphanet 99739, MedGen C0949658, MeSH D024741, MONDO:0024573. Inheritance: Various modes of inheritance.
Dilated cardiomyopathy 1AA (CMD1AA). Also called: CARDIOMYOPATHY, DILATED, 1AA, WITH OR WITHOUT LEFT VENTRICULAR NONCOMPACTION; CARDIOMYOPATHY, FAMILIAL HYPERTROPHIC, 23, WITH OR WITHOUT LEFT VENTRICULAR NONCOMPACTION; Cardiomyopathy, dilated, 1AA, with or without LVNC. Identifiers: Orphanet 154, MedGen C2677338, MONDO:0012808, OMIM 612158.

Allele frequency attached by ClinVar (database versions not stated): TOPMed 0.00001.
gnomAD v4.1: 1 of 1,563,796 alleles (0.000064%); highest among the groups gnomAD compares: African/African-American, 0.0014%; no homozygotes.

Submission:

Labcorp Genetics (formerly Invitae), Labcorp
Classification: Uncertain significance for Primary familial hypertrophic cardiomyopathy; Dilated cardiomyopathy 1AA. Last evaluated: 2023-09-01. Review status: criteria provided, single submitter. Criteria: Invitae Variant Classification Sherloc (09022015). Collection method: clinical testing. Allele origin: germline.
Comment: This variant has not been reported in the literature in individuals affected with ACTN2-related conditions. In summary, the available evidence is currently insufficient to determine the role of this variant in disease. Therefore, it has been classified as a Variant of Uncertain Significance. An algorithm developed to predict the effect of missense changes on protein structure and function (PolyPhen-2) suggests that this variant is likely to be tolerated. The frequency data for this variant in the population databases is considered unreliable, as metrics indicate poor data quality at this position in the gnomAD database. This sequence change replaces proline, which is neutral and non-polar, with serine, which is neutral and polar, at codon 6 of the ACTN2 protein (p.Pro6Ser).